The following is an entry in ClinVar:

NM_033028.5(BBS4):c.459+7T>G

Gene: BBS4 (Bardet-Biedl syndrome 4; plus strand). Cytogenetic location: 15q24.1.
Variant type: single nucleotide variant.
Coding change: c.459+7T>G on transcript NM_033028.5 (MANE Select); 7 bases into the intron after coding-DNA position 459, T replaced by G.
Molecular consequence: intron variant.
Genome position (GRCh38, 1-based): chr15:72,722,854, T>G. VCF-style: chr15-72722854-T-G. GRCh37 (hg19) VCF-style: chr15-73015195-T-G.
Other names: c.459+7T>G (NM_001320665.2); c.-58+7T>G (NM_001252678.2).
Identifiers: ClinVar variation 3356069 (VCV003356069.1).

ClinVar aggregate classification (germline): Likely benign (0 of 4 stars; one submission).

Conditions:
BBS4-related disorder. Also called: BBS4-related condition.

Submission:

PreventionGenetics, part of Exact Sciences
Classification: Likely benign for BBS4-related condition. Last evaluated: 2019-12-17. Review status: no assertion criteria provided. Collection method: clinical testing. Allele origin: germline.
Comment: This variant is classified as likely benign based on ACMG/AMP sequence variant interpretation guidelines (Richards et al. 2015 PMID: 25741868, with internal and published modifications).